The following is an entry in ClinVar:

ClinVar aggregate classification (germline): Uncertain significance (1 of 4 stars; one submission).

Allele frequency attached by ClinVar (database versions not stated): gnomAD 0.00001; gnomAD exomes 0.00002 and 0.00006; TOPMed 0.00004.

Submission:

Labcorp Genetics (formerly Invitae), Labcorp
Classification: Uncertain significance. Last evaluated: 2025-04-28. Review status: criteria provided, single submitter. Criteria: Invitae Variant Classification Sherloc (09022015). Collection method: clinical testing. Allele origin: germline.
Comment: This sequence change replaces arginine, which is basic and polar, with tryptophan, which is neutral and slightly polar, at codon 361 of the NEK2 protein (p.Arg361Trp). This variant is present in population databases (rs542160394, gnomAD 0.009%). This variant has not been reported in the literature in individuals affected with NEK2-related conditions. ClinVar contains an entry for this variant (Variation ID: 1509671). An algorithm developed to predict the effect of missense changes on protein structure and function (PolyPhen-2) suggests that this variant is likely to be tolerated. In summary, the available evidence is currently insufficient to determine the role of this variant in disease. Therefore, it has been classified as a Variant of Uncertain Significance.

NM_002497.4(NEK2):c.1081C>T (p.Arg361Trp)

Gene: NEK2 (NIMA related kinase 2; minus strand). Cytogenetic location: 1q32.3.
Variant type: single nucleotide variant.
Coding change: c.1081C>T on transcript NM_002497.4 (MANE Select); coding-DNA position 1081, C replaced by T.
Protein change: p.Arg361Trp; replaces arginine 361 with tryptophan.
Molecular consequence: missense variant.
Genome position (GRCh38, 1-based): chr1:211,667,136, G>A on the plus strand (C>T on the coding strand, the complement: NEK2 is on the minus strand). VCF-style: chr1-211667136-G-A. GRCh37 (hg19) VCF-style: chr1-211840478-G-A.
Other names: c.1081C>T, p.Arg361Trp (NM_001204182.2, NM_001204183.2); short protein forms R361W.
Identifiers: ClinVar variation 1509671 (VCV001509671.6), dbSNP rs542160394, ClinGen allele CA36820688.